The following is an entry in ClinVar:

NM_000903.3(NQO1):c.670G>T (p.Ala224Ser)

Gene: NQO1 (NAD(P)H quinone dehydrogenase 1; minus strand). Cytogenetic location: 16q22.1.
Variant type: single nucleotide variant.
Coding change: c.670G>T on transcript NM_000903.3 (MANE Select); coding-DNA position 670, G replaced by T.
Protein change: p.Ala224Ser; replaces alanine 224 with serine.
Molecular consequence: missense variant.
Genome position (GRCh38, 1-based): chr16:69,711,131, C>A on the plus strand (G>T on the coding strand, the complement: NQO1 is on the minus strand). VCF-style: chr16-69711131-C-A. GRCh37 (hg19) VCF-style: chr16-69745034-C-A.
Other names: c.568G>T, p.Ala190Ser (NM_001025433.2); c.556G>T, p.Ala186Ser (NM_001025434.2); c.454G>T, p.Ala152Ser (NM_001286137.2); short protein forms A224S, A152S, A186S, A190S.
Identifiers: ClinVar variation 2565186 (VCV002565186.2), dbSNP rs1322135467, ClinGen allele CA396487636.

ClinVar aggregate classification (germline): Uncertain significance (1 of 4 stars; one submission).

Submission:

Ambry Genetics
Classification: Uncertain significance. Last evaluated: 2023-04-07. Review status: criteria provided, single submitter. Criteria: Ambry Variant Classification Scheme 2023. Collection method: clinical testing. Allele origin: germline.
Comment: The p.A224S variant (also known as c.670G>T), located in coding exon 6 of the NQO1 gene, results from a G to T substitution at nucleotide position 670. The alanine at codon 224 is replaced by serine, an amino acid with similar properties. This amino acid position is conserved. In addition, this alteration is predicted to be tolerated by in silico analysis. Since supporting evidence is limited at this time, the clinical significance of this alteration remains unclear.